The following is an entry in ClinVar:

ClinVar aggregate classification (germline): Likely benign (1 of 4 stars; one submission).

Submission:

CeGaT Center for Human Genetics Tuebingen
Classification: Likely benign. Last evaluated: 2026-07-01. Review status: criteria provided, single submitter. Criteria: CeGaT Center For Human Genetics Tuebingen Variant Classification Criteria Version 2. Collection method: clinical testing. Allele origin: germline. Affected: yes. Observed: 1 variant allele.
Comment: DSPP: BP4, BP7

NM_014208.3(DSPP):c.2643T>C (p.Asp881=)

Genes: DMP1-AS1 (DMP1 and DSPP antisense RNA 1; minus strand), DSPP (dentin sialophosphoprotein; plus strand). Cytogenetic location: 4q22.1.
Variant type: single nucleotide variant.
Coding change: c.2643T>C on transcript NM_014208.3 (MANE Select); coding-DNA position 2643, T replaced by C.
Protein change: p.Asp881=; no amino-acid change (aspartic acid 881 retained).
Molecular consequence: synonymous variant.
Genome position (GRCh38, 1-based): chr4:87,615,305, T>C. VCF-style: chr4-87615305-T-C. GRCh37 (hg19) VCF-style: chr4-88536457-T-C.
Identifiers: ClinVar variation 5038486 (VCV005038486.1).